The following is an entry in ClinVar:

ClinVar aggregate classification (germline): Likely benign. Review status: criteria provided, multiple submitters, no conflicts (2 of 4 stars). 3 submissions from 3 submitters: Likely benign (2). 1 of the submissions does not count toward it. Last evaluated 2025-12-03.

Conditions:
Von Hippel-Lindau syndrome (VHLS). Also called: Von Hippel-Lindau; von Hippel–Lindau syndrome; VHL syndrome. Identifiers: Orphanet 892, MedGen C0019562, MONDO:0008667, OMIM 193300. Disease mechanism: loss of function.
Chuvash polycythemia. Also called: POLYCYTHEMIA, VHL-DEPENDENT. Identifiers: Orphanet 238557, MedGen C1837915, MONDO:0009892, OMIM 263400.

Submissions (3):

Labcorp Genetics (formerly Invitae), Labcorp
Classification: Likely benign for Von Hippel-Lindau syndrome; Chuvash polycythemia. Last evaluated: 2025-12-03. Review status: criteria provided, single submitter. Criteria: Invitae Variant Classification Sherloc (09022015). Collection method: clinical testing. Allele origin: germline.

Myriad Genetics, Inc.
Classification: Likely benign for Von Hippel-Lindau syndrome. Last evaluated: 2025-06-11. Review status: criteria provided, single submitter. Criteria: Myriad Autosomal Dominant, Autosomal Recessive and X-Linked Classification Criteria (2023). Collection method: clinical testing. Allele origin: unknown.
Comment: This variant is considered likely benign. This variant is intronic and is not expected to impact mRNA splicing.

Genomic Diagnostic Laboratory, Division of Genomic Diagnostics, Children's Hospital of Philadelphia
Classification: Likely benign for Von Hippel-Lindau syndrome. Last evaluated: 2016-02-26. Review status: no assertion criteria provided. Collection method: clinical testing. Allele origin: germline. Observed: 1 variant allele. Not counted in ClinVar's aggregate classification.

NM_000551.4(VHL):c.340+7G>C

Gene: VHL (von Hippel-Lindau tumor suppressor; plus strand). Cytogenetic location: 3p25.3.
Variant type: single nucleotide variant.
Coding change: c.340+7G>C on transcript NM_000551.4 (MANE Select); 7 bases into the intron after coding-DNA position 340, G replaced by C.
Molecular consequence: intron variant.
Genome position (GRCh38, 1-based): chr3:10,142,194, G>C. VCF-style: chr3-10142194-G-C. GRCh37 (hg19) VCF-style: chr3-10183878-G-C.
Other names: c.340+7G>C (NM_001354723.2, NM_198156.3).
Identifiers: ClinVar variation 223192 (VCV000223192.13), dbSNP rs869025635, ClinGen allele CA357047.